The following is an entry in ClinVar:

ClinVar aggregate classification (germline): Benign/Likely benign. Review status: criteria provided, multiple submitters, no conflicts (2 of 4 stars). 2 submissions from 2 submitters: Benign (1); Likely benign (1). Last evaluated 2026-09-01.

Allele frequency attached by ClinVar (database versions not stated): 1000 Genomes Project 0.00379; 1000 Genomes Project 30x 0.00468; TOPMed 0.00779; gnomAD 0.00812; gnomAD exomes 0.01070.
gnomAD v4.1: 3,890 of 398,692 alleles (0.98%); highest among the groups gnomAD compares: Middle Eastern, 2.1%; 35 homozygotes.

Submissions (2):

CeGaT Center for Human Genetics Tuebingen
Classification: Benign. Last evaluated: 2026-09-01. Review status: criteria provided, single submitter. Criteria: CeGaT Center For Human Genetics Tuebingen Variant Classification Criteria Version 2. Collection method: clinical testing. Allele origin: germline. Affected: yes. Observed: 93 variant alleles.
Comment: KCNQ1: BS1, BS2; KCNQ1OT1: BS1, BS2

Blueprint Genetics
Classification: Likely benign. Last evaluated: 2024-11-27. Review status: criteria provided, single submitter. Criteria: ACMG Guidelines, 2015. Collection method: clinical testing. Allele origin: germline.

NM_000218.3(KCNQ1):c.1514+1081C>T

Genes: KCNQ1 (potassium voltage-gated channel subfamily Q member 1; plus strand), KCNQ1OT1 (KCNQ1 opposite strand/antisense transcript 1; minus strand). Cytogenetic location: 11p15.5.
Variant type: single nucleotide variant.
Coding change: c.1514+1081C>T on transcript NM_000218.3 (MANE Select); 1081 bases into the intron after coding-DNA position 1514, C replaced by T.
Molecular consequence: intron variant.
Genome position (GRCh38, 1-based): chr11:2,663,162, C>T. VCF-style: chr11-2663162-C-T. GRCh37 (hg19) VCF-style: chr11-2684392-C-T.
Other names: c.1244+1081C>T (NM_001406837.1); c.1418+1081C>T (NM_001406836.1); c.974+1081C>T (NM_001406838.1); c.1133+1081C>T (NM_181798.2).
Identifiers: ClinVar variation 1711302 (VCV001711302.31), dbSNP rs143103324, ClinGen allele CA15698714.